The following is an entry in ClinVar:

ClinVar aggregate classification (germline): Likely benign. Review status: criteria provided, multiple submitters, no conflicts (2 of 4 stars). 2 submissions from 2 submitters: Likely benign (2). Last evaluated 2025-04-14.

Allele frequency attached by ClinVar (database versions not stated): ExAC 0.00002; ESP Exome Variant Server 0.00008; gnomAD 0.00003.
gnomAD v4.1: 98 of 1,608,588 alleles (0.0061%); highest among the groups gnomAD compares: Non-Finnish European, 0.0083%; no homozygotes.

Submissions (2):

Labcorp Genetics (formerly Invitae), Labcorp
Classification: Likely benign. Last evaluated: 2025-04-14. Review status: criteria provided, single submitter. Criteria: Invitae Variant Classification Sherloc (09022015). Collection method: clinical testing. Allele origin: germline.

Women's Health and Genetics/Laboratory Corporation of America, LabCorp
Classification: Likely benign. Last evaluated: 2024-01-30. Review status: criteria provided, single submitter. Criteria: LabCorp Variant Classification Summary - May 2015. Collection method: clinical testing. Allele origin: germline.
Comment: Variant summary: ANO6 c.1309-15T>C alters a non-conserved nucleotide located at a position not widely known to affect splicing. Consensus agreement among computation tools predict no significant impact on normal splicing. However, these predictions have yet to be confirmed by functional studies. The variant allele was found at a frequency of 8e-06 in 251276 control chromosomes, predominantly at a frequency of 1.8e-05 within the Non-Finnish European subpopulation in the gnomAD database. The available data on variant occurrences in the general population are insufficient to allow any conclusion about variant significance. To our knowledge, no occurrence of c.1309-15T>C in individuals affected with SCOTT SYNDROME and no experimental evidence demonstrating its impact on protein function have been reported. No submitters have cited clinical-significance assessments for this variant to ClinVar. Based on the evidence outlined above, the variant was classified as likely benign.

NM_001025356.3(ANO6):c.1309-15T>C

Gene: ANO6 (anoctamin 6; plus strand). Cytogenetic location: 12q12.
Variant type: single nucleotide variant.
Coding change: c.1309-15T>C on transcript NM_001025356.3 (MANE Select); 15 bases into the intron before coding-DNA position 1309, T replaced by C.
Molecular consequence: intron variant.
Genome position (GRCh38, 1-based): chr12:45,390,406, T>C. VCF-style: chr12-45390406-T-C. GRCh37 (hg19) VCF-style: chr12-45784189-T-C.
Other names: c.1309-15T>C (NM_001142679.2); c.1372-15T>C (NM_001204803.2); c.1276-15T>C (NM_001410973.1); c.1255-15T>C (NM_001142678.2).
Identifiers: ClinVar variation 2987461 (VCV002987461.4), dbSNP rs370432937, ClinGen allele CA6525314.